The following is an entry in ClinVar:

NM_001103.4(ACTN2):c.870G>A (p.Ala290=)

Gene: ACTN2 (actinin alpha 2; plus strand). Cytogenetic location: 1q43.
Variant type: single nucleotide variant.
Coding change: c.870G>A on transcript NM_001103.4 (MANE Select); coding-DNA position 870, G replaced by A.
Protein change: p.Ala290=; no amino-acid change (alanine 290 retained).
Molecular consequence: synonymous variant.
Genome position (GRCh38, 1-based): chr1:236,737,208, G>A. VCF-style: chr1-236737208-G-A. GRCh37 (hg19) VCF-style: chr1-236900508-G-A.
Other names: p.A290A:GCG>GCA; c.870G>A, p.Ala290= (NM_001278343.2); c.246G>A, p.Ala82= (NM_001278344.2).
Identifiers: ClinVar variation 43948 (VCV000043948.33), dbSNP rs116464082, ClinGen allele CA133220.

ClinVar aggregate classification (germline): Benign/Likely benign. Review status: criteria provided, multiple submitters, no conflicts (2 of 4 stars). 13 submissions from 13 submitters: Benign (8); Likely benign (3). 2 of the submissions do not count toward it. Last evaluated 2026-03-27.

Conditions:
Cardiovascular phenotype. Identifiers: MedGen CN230736.
Cardiomyopathy (CMYO). Also called: Cardiomyopathies. Identifiers: Orphanet 167848, MedGen C0878544, MONDO:0004994, HP:0001638. Inheritance: Various modes of inheritance.
Dilated cardiomyopathy 1AA (CMD1AA). Also called: CARDIOMYOPATHY, DILATED, 1AA, WITH OR WITHOUT LEFT VENTRICULAR NONCOMPACTION; CARDIOMYOPATHY, FAMILIAL HYPERTROPHIC, 23, WITH OR WITHOUT LEFT VENTRICULAR NONCOMPACTION; Cardiomyopathy, dilated, 1AA, with or without LVNC. Identifiers: Orphanet 154, MedGen C2677338, MONDO:0012808, OMIM 612158.
Primary familial hypertrophic cardiomyopathy (HCM). Identifiers: Orphanet 99739, MedGen C0949658, MeSH D024741, MONDO:0024573. Inheritance: Various modes of inheritance.

Allele frequency attached by ClinVar (database versions not stated): gnomAD exomes 0.00053 and 0.00129; ExAC 0.00163; TOPMed 0.00471; gnomAD 0.00473 and 0.00506; ESP Exome Variant Server 0.00507; 1000 Genomes Project 0.00599; 1000 Genomes Project 30x 0.00656.
gnomAD v4.1: 1,510 of 1,589,584 alleles (0.095%); highest among the groups gnomAD compares: African/African-American, 1.6%; 14 homozygotes.

Submissions (13):

Molecular Diagnostic Laboratory for Inherited Cardiovascular Disease, Montreal Heart Institute
Classification: Benign. Last evaluated: 2026-03-27. Review status: criteria provided, single submitter. Criteria: ACMG Guidelines, 2015. Collection method: clinical testing. Allele origin: germline. Affected: no.

Labcorp Genetics (formerly Invitae), Labcorp
Classification: Benign for Primary familial hypertrophic cardiomyopathy; Dilated cardiomyopathy 1AA. Last evaluated: 2026-02-03. Review status: criteria provided, single submitter. Criteria: Invitae Variant Classification Sherloc (09022015). Collection method: clinical testing. Allele origin: germline.

ARUP Laboratories, Molecular Genetics and Genomics, ARUP Laboratories
Classification: Benign. Last evaluated: 2025-05-20. Review status: criteria provided, single submitter. Criteria: ARUP Molecular Germline Variant Investigation Process 2024. Collection method: clinical testing. Allele origin: germline.

Blueprint Genetics
Classification: Likely benign. Last evaluated: 2024-11-26. Review status: criteria provided, single submitter. Criteria: ACMG Guidelines, 2015. Collection method: clinical testing. Allele origin: germline.

Women's Health and Genetics/Laboratory Corporation of America, LabCorp
Classification: Benign. Last evaluated: 2019-04-29. Review status: criteria provided, single submitter. Criteria: LabCorp Variant Classification Summary - May 2015. Collection method: clinical testing. Allele origin: germline.
Comment: Variant summary: ACTN2 c.870G>A alters a non-conserved nucleotide resulting in a synonymous change. 4/5 computational tools predict no significant impact on normal splicing. However, these predictions have yet to be confirmed by functional studies. The variant allele was found at a frequency of 0.0013 in 251296 control chromosomes, predominantly at a frequency of 0.017 within the African or African-American subpopulation in the gnomAD database, including 6 homozygotes. The observed variant frequency within African or African-American control individuals in the gnomAD database is approximately 680 fold of the estimated maximal expected allele frequency for a pathogenic variant in ACTN2 causing Cardiomyopathy phenotype (2.5e-05), strongly suggesting that the variant is a benign polymorphism found primarily in populations of African or African-American origin. To our knowledge, no occurrence of c.870G>A in individuals affected with Cardiomyopathy and no experimental evidence demonstrating its impact on protein function have been reported. Two submitters have provided clinical-significance assessments for this variant to ClinVar after 2014 without evidence for independent evaluation and classified the variant as benign. Based on the evidence outlined above, the variant was classified as benign.

Illumina Laboratory Services, Illumina
Classification: Likely benign for Dilated cardiomyopathy 1AA. Last evaluated: 2018-01-13. Review status: criteria provided, single submitter. Criteria: ICSL Variant Classification Criteria 13 December 2019. Collection method: clinical testing. Allele origin: germline.
Comment: This variant was observed in the ICSL laboratory as part of a predisposition screen in an ostensibly healthy population. It had not been previously curated by ICSL or reported in the Human Gene Mutation Database (HGMD: prior to June 1st, 2018), and was therefore a candidate for classification through an automated scoring system. Utilizing variant allele frequency, disease prevalence and penetrance estimates, and inheritance mode, an automated score was calculated to assess if this variant is too frequent to cause the disease. Based on the score and internal cut-off values, a variant classified as likely benign is not then subjected to further curation. The score for this variant resulted in a classification of likely benign for this disease.

CHEO Genetics Diagnostic Laboratory, Children's Hospital of Eastern Ontario
Classification: Benign for Cardiomyopathy. Last evaluated: 2015-09-16. Review status: criteria provided, single submitter. Criteria: ACMG Guidelines, 2015. Collection method: clinical testing. Allele origin: germline. Study: Canadian Open Genetics Repository.

Ambry Genetics
Classification: Benign for Cardiovascular phenotype. Last evaluated: 2015-08-26. Review status: criteria provided, single submitter. Criteria: Ambry Variant Classification Scheme 2023. Collection method: clinical testing. Allele origin: germline.

GeneDx
Classification: Benign. Last evaluated: 2013-05-07. Review status: criteria provided, single submitter. Criteria: GeneDx Variant Classification (06012015). Collection method: clinical testing. Allele origin: germline. Affected: yes.
Comment: This variant is considered likely benign or benign based on one or more of the following criteria: it is a conservative change, it occurs at a poorly conserved position in the protein, it is predicted to be benign by multiple in silico algorithms, and/or has population frequency not consistent with disease.

Laboratory for Molecular Medicine, Mass General Brigham Personalized Medicine
Classification: Benign. Last evaluated: 2012-01-06. Review status: criteria provided, single submitter. Criteria: LMM Criteria. Collection method: clinical testing. Allele origin: germline. Observed: 24 variant alleles.
Comment: Ala290Ala in exon 9 of ACTN2: This variant is classified as benign because it do es not change the amino acid and is frequent in the general population (rs116464 082, NHLBI Exome Sequencing Project; MAF >1%).

Breakthrough Genomics
Classification: Likely benign. Review status: criteria provided, single submitter. Criteria: ACMG Guidelines, 2015. Collection method: not provided. Allele origin: germline. Inheritance: Autosomal dominant inheritance. Affected: yes.

Clinical Genetics DNA and cytogenetics Diagnostics Lab, Erasmus MC, Erasmus Medical Center
Classification: Benign. Review status: no assertion criteria provided. Collection method: clinical testing. Allele origin: germline. Affected: yes. Study: VKGL Data-share Consensus. Not counted in ClinVar's aggregate classification.

Clinical Genetics, Academic Medical Center
Classification: Benign. Review status: no assertion criteria provided. Collection method: clinical testing. Allele origin: germline. Affected: yes. Study: VKGL Data-share Consensus. Not counted in ClinVar's aggregate classification.